The following is an entry in ClinVar:

NM_018206.6(VPS35):c.340G>A (p.Val114Ile)

Gene: VPS35 (VPS35 retromer complex component; minus strand). Cytogenetic location: 16q11.2.
Variant type: single nucleotide variant.
Coding change: c.340G>A on transcript NM_018206.6 (MANE Select); coding-DNA position 340, G replaced by A.
Protein change: p.Val114Ile; replaces valine 114 with isoleucine.
Molecular consequence: missense variant.
Genome position (GRCh38, 1-based): chr16:46,680,837, C>T on the plus strand (G>A on the coding strand, the complement: VPS35 is on the minus strand). VCF-style: chr16-46680837-C-T. GRCh37 (hg19) VCF-style: chr16-46714749-C-T.
Other names: short protein forms V114I.
Identifiers: ClinVar variation 2005354 (VCV002005354.4), dbSNP rs2548884932, ClinGen allele CA395814492.

ClinVar aggregate classification (germline): Uncertain significance (1 of 4 stars; one submission).

Conditions:
Parkinson disease 17 (PARK17). Also called: VPS35-Related Parkinson Disease. Identifiers: Orphanet 411602, MedGen C3280133, MONDO:0013625, OMIM 614203.

Submission:

Labcorp Genetics (formerly Invitae), Labcorp
Classification: Uncertain significance for Parkinson disease 17. Last evaluated: 2022-02-17. Review status: criteria provided, single submitter. Criteria: Invitae Variant Classification Sherloc (09022015). Collection method: clinical testing. Allele origin: germline.
Comment: In summary, the available evidence is currently insufficient to determine the role of this variant in disease. Therefore, it has been classified as a Variant of Uncertain Significance. Algorithms developed to predict the effect of missense changes on protein structure and function (SIFT, PolyPhen-2, Align-GVGD) all suggest that this variant is likely to be tolerated. This variant has not been reported in the literature in individuals affected with VPS35-related conditions. This variant is not present in population databases (gnomAD no frequency). This sequence change replaces valine, which is neutral and non-polar, with isoleucine, which is neutral and non-polar, at codon 114 of the VPS35 protein (p.Val114Ile).